The following is an entry in ClinVar:

ClinVar aggregate classification (germline): Uncertain significance. Review status: criteria provided, multiple submitters, no conflicts (2 of 4 stars). 2 submissions from 2 submitters: Uncertain significance (2). Last evaluated 2024-04-18.

Conditions:
Hereditary cancer-predisposing syndrome. Also called: Neoplastic Syndromes, Hereditary; Hereditary neoplastic syndrome; Tumor predisposition; Hereditary Cancer Syndrome. Identifiers: Orphanet 140162, MedGen C0027672, MeSH D009386, MONDO:0015356.

Submissions (2):

Labcorp Genetics (formerly Invitae), Labcorp
Classification: Uncertain significance. Last evaluated: 2024-04-18. Review status: criteria provided, single submitter. Criteria: Invitae Variant Classification Sherloc (09022015). Collection method: clinical testing. Allele origin: germline.
Comment: This sequence change replaces glycine, which is neutral and non-polar, with aspartic acid, which is acidic and polar, at codon 904 of the POLE protein (p.Gly904Asp). This variant is not present in population databases (gnomAD no frequency). This variant has not been reported in the literature in individuals affected with POLE-related conditions. ClinVar contains an entry for this variant (Variation ID: 2496853). Advanced modeling of protein sequence and biophysical properties (such as structural, functional, and spatial information, amino acid conservation, physicochemical variation, residue mobility, and thermodynamic stability) performed at Invitae indicates that this missense variant is not expected to disrupt POLE protein function with a negative predictive value of 80%. In summary, the available evidence is currently insufficient to determine the role of this variant in disease. Therefore, it has been classified as a Variant of Uncertain Significance.

Ambry Genetics
Classification: Uncertain significance for Hereditary cancer-predisposing syndrome. Last evaluated: 2022-12-01. Review status: criteria provided, single submitter. Criteria: Ambry Variant Classification Scheme 2023. Collection method: clinical testing. Allele origin: germline.
Comment: The p.G904D variant (also known as c.2711G>A), located in coding exon 24 of the POLE gene, results from a G to A substitution at nucleotide position 2711. The glycine at codon 904 is replaced by aspartic acid, an amino acid with similar properties. This amino acid position is conserved. In addition, the in silico prediction for this alteration is inconclusive. Since supporting evidence is limited at this time, the clinical significance of this alteration remains unclear.

NM_006231.4(POLE):c.2711G>A (p.Gly904Asp)

Gene: POLE (DNA polymerase epsilon, catalytic subunit; minus strand). Cytogenetic location: 12q24.33.
Variant type: single nucleotide variant.
Coding change: c.2711G>A on transcript NM_006231.4 (MANE Select); coding-DNA position 2711, G replaced by A.
Protein change: p.Gly904Asp; replaces glycine 904 with aspartic acid.
Molecular consequence: missense variant.
Genome position (GRCh38, 1-based): chr12:132,661,680, C>T on the plus strand (G>A on the coding strand, the complement: POLE is on the minus strand). VCF-style: chr12-132661680-C-T. GRCh37 (hg19) VCF-style: chr12-133238266-C-T.
Other names: short protein forms G904D.
Identifiers: ClinVar variation 2496853 (VCV002496853.4), dbSNP rs1332965505, ClinGen allele CA387394066.